The following is an entry in ClinVar:

ClinVar aggregate classification (germline): Benign/Likely benign. Review status: criteria provided, multiple submitters, no conflicts (2 of 4 stars). 16 submissions from 16 submitters: Benign (9); Likely benign (3). 4 of the submissions do not count toward it. Last evaluated 2026-08-01.

Conditions:
Inborn genetic diseases. Identifiers: MedGen C0950123, MeSH D030342.
Smith-Lemli-Opitz syndrome (SLOS). Also called: LETHAL ACRODYSGENITAL SYNDROME; 7-Dehydrocholesterol reductase deficiency; POLYDACTYLY, SEX REVERSAL, RENAL HYPOPLASIA, AND UNILOBAR LUNG; RSH SYNDROME; RUTLEDGE LETHAL MULTIPLE CONGENITAL ANOMALY SYNDROME. Identifiers: Orphanet 818, MedGen C0175694, MONDO:0010035, OMIM 270400.

Allele frequency attached by ClinVar (database versions not stated): 1000 Genomes Project 30x 0.00734; 1000 Genomes Project 0.00739; TOPMed 0.00824; gnomAD exomes 0.00975; gnomAD 0.00986 and 0.00988; ESP Exome Variant Server 0.01033; ExAC 0.01696.
gnomAD v4.1: 18,231 of 1,575,646 alleles (1.2%); highest among the groups gnomAD compares: Non-Finnish European, 1.3%; 141 homozygotes.

Submissions (16):

CeGaT Center for Human Genetics Tuebingen
Classification: Benign. Last evaluated: 2026-08-01. Review status: criteria provided, single submitter. Criteria: CeGaT Center For Human Genetics Tuebingen Variant Classification Criteria Version 2. Collection method: clinical testing. Allele origin: germline. Affected: yes. Observed: 52 variant alleles.
Comment: DHCR7: BP4, BS1, BS2

Labcorp Genetics (formerly Invitae), Labcorp
Classification: Benign for Smith-Lemli-Opitz syndrome. Last evaluated: 2026-02-03. Review status: criteria provided, single submitter. Criteria: Invitae Variant Classification Sherloc (09022015). Collection method: clinical testing. Allele origin: germline.

Mayo Clinic Laboratories, Mayo Clinic
Classification: Benign. Last evaluated: 2024-12-06. Review status: criteria provided, single submitter. Criteria: ACMG Guidelines, 2015. Collection method: clinical testing. Allele origin: germline. Observed: 12 variant alleles.
Comment: BS1, BS2, BP7

ARUP Laboratories, Molecular Genetics and Genomics, ARUP Laboratories
Classification: Benign for Smith-Lemli-Opitz syndrome. Last evaluated: 2020-02-03. Review status: criteria provided, single submitter. Criteria: ARUP Molecular Germline Variant Investigation Process. Collection method: clinical testing. Allele origin: germline.

Mendelics
Classification: Benign. Last evaluated: 2019-05-28. Review status: criteria provided, single submitter. Criteria: Mendelics Assertion Criteria 2017. Collection method: clinical testing. Allele origin: unknown.

GeneDx
Classification: Benign. Last evaluated: 2018-12-17. Review status: criteria provided, single submitter. Criteria: GeneDx Variant Classification Process June 2021. Collection method: clinical testing. Allele origin: germline. Affected: yes.
Comment: This variant is associated with the following publications: (PMID: 25040602, 23042628)

Institute for Genomic Medicine (IGM) Clinical Laboratory, Nationwide Children's Hospital
Classification: Likely benign. Last evaluated: 2017-07-05. Review status: criteria provided, single submitter. Criteria: ACMG Guidelines, 2015. Collection method: clinical testing. Allele origin: germline.
Comment: BS1, BP6; This alteration has an allele frequency that is greater than expected for the associated disease, and was reported as a benign/likely benign alteration by a reputable source (ClinVar or other correspondence from a clinical testing laboratory).

Women's Health and Genetics/Laboratory Corporation of America, LabCorp
Classification: Benign. Last evaluated: 2017-05-02. Review status: criteria provided, single submitter. Criteria: LabCorp Variant Classification Summary - May 2015. Collection method: clinical testing. Allele origin: germline.
Comment: Variant summary: The DHCR7 c.99-4G>A variant involves the alteration of a non-conserved intronic nucleotide. One in silico tool predicts a polymorphism outcome for this variant. 5/5 splice prediction tools predict no significant impact on normal splicing. However, these predictions have yet to be confirmed by functional studies. This variant was found in 628/37018 control chromosomes (8 homozygotes) at a frequency of 0.0169647, which is approximately 4 times the estimated maximal expected allele frequency of a pathogenic DHCR7 variant (0.0043301), suggesting this variant is likely a benign polymorphism. The variant of interest has been reported in affected individuals without strong evidence for causality. In addition, multiple clinical diagnostic laboratories/reputable databases classified this variant as benign/likely benign. Taken together, this variant is classified as benign.

Illumina Laboratory Services, Illumina
Classification: Likely benign for Smith-Lemli-Opitz syndrome. Last evaluated: 2017-04-27. Review status: criteria provided, single submitter. Criteria: ICSL Variant Classification Criteria 13 December 2019. Collection method: clinical testing. Allele origin: germline.
Comment: This variant was observed as part of a predisposition screen in an ostensibly healthy population. A literature search was performed for the gene, cDNA change, and amino acid change (where applicable). No publications were found based on this search. Allele frequency data from public databases allowed determination this variant is unlikely to cause disease. Therefore, this variant is classified as likely benign.

Center for Pediatric Genomic Medicine, Children's Mercy Hospital and Clinics
Classification: Likely benign. Last evaluated: 2016-09-14. Review status: criteria provided, single submitter. Criteria: ACMG Guidelines, 2015. Collection method: clinical testing. Allele origin: germline.
ClinVar note: Converted during submission from Likely Benign to Likely benign.

Ambry Genetics
Classification: Benign for Inborn genetic diseases. Last evaluated: 2016-03-13. Review status: criteria provided, single submitter. Criteria: Ambry Variant Classification Scheme 2023. Collection method: clinical testing. Allele origin: germline.

Eurofins Ntd Llc (ga)
Classification: Benign. Last evaluated: 2013-04-16. Review status: criteria provided, single submitter. Criteria: EGL Classification Definitions 2015. Collection method: clinical testing. Allele origin: germline. Observed: 3 variant alleles, 3 heterozygotes.

Natera, Inc.
Classification: Benign for Smith-Lemli-Opitz syndrome. Last evaluated: 2019-05-20. Review status: no assertion criteria provided. Collection method: clinical testing. Allele origin: germline. Not counted in ClinVar's aggregate classification.

Clinical Genetics DNA and cytogenetics Diagnostics Lab, Erasmus MC, Erasmus Medical Center
Classification: Benign. Review status: no assertion criteria provided. Collection method: clinical testing. Allele origin: germline. Affected: yes. Study: VKGL Data-share Consensus. Not counted in ClinVar's aggregate classification.

Genome Diagnostics Laboratory, University Medical Center Utrecht
Classification: Likely benign. Review status: no assertion criteria provided. Collection method: clinical testing. Allele origin: germline. Affected: yes. Study: VKGL Data-share Consensus. Not counted in ClinVar's aggregate classification.

Laboratory of Diagnostic Genome Analysis, Leiden University Medical Center (LUMC)
Classification: Likely benign. Review status: no assertion criteria provided. Collection method: clinical testing. Allele origin: germline. Affected: yes. Study: VKGL Data-share Consensus. Not counted in ClinVar's aggregate classification.

Literature cited by the submitters: PubMed 23042628 (cited by Mayo Clinic Laboratories, Mayo Clinic and Women's Health and Genetics/Laboratory Corporation of America, LabCorp); PubMed 25040602 (cited by Women's Health and Genetics/Laboratory Corporation of America, LabCorp).

NM_001360.3(DHCR7):c.99-4G>A

Genes: DHCR7 (7-dehydrocholesterol reductase; minus strand), NADSYN1 (NAD synthetase 1; plus strand). Cytogenetic location: 11q13.4.
Variant type: single nucleotide variant.
Coding change: c.99-4G>A on transcript NM_001360.3 (MANE Select); 4 bases into the intron before coding-DNA position 99, G replaced by A.
Molecular consequence: intron variant.
Genome position (GRCh38, 1-based): chr11:71,444,219, C>T on the plus strand (G>A on the coding strand, the complement: DHCR7 is on the minus strand). VCF-style: chr11-71444219-C-T. GRCh37 (hg19) VCF-style: chr11-71155265-C-T.
Other names: p.?; c.99-4G>A (NM_001163817.2).
Identifiers: ClinVar variation 93726 (VCV000093726.67), dbSNP rs140748737, ClinGen allele CA147256.